The following is an entry in ClinVar:

ClinVar aggregate classification (germline): Benign/Likely benign. Review status: criteria provided, multiple submitters, no conflicts (2 of 4 stars). 5 submissions from 5 submitters: Benign (1); Likely benign (3). 1 of the submissions does not count toward it. Last evaluated 2026-01-09.

Conditions:
MUSK-related disorder. Also called: MUSK-related disorders; MUSK-related condition.
Congenital myasthenic syndrome 9. Also called: Myasthenic syndrome, congenital, 9, associated with acetylcholine receptor deficiency. Identifiers: Orphanet 590, MedGen C4225368, MONDO:0014587, OMIM 616325.
Fetal akinesia deformation sequence 1 (FADS1). Also called: Pena-Shokeir syndrome type I; Fetal akinesia sequence. Identifiers: Orphanet 994, MedGen C1276035, MONDO:0100101, OMIM 208150, HP:0001989.
Inborn genetic diseases. Identifiers: MedGen C0950123, MeSH D030342.

Allele frequency attached by ClinVar (database versions not stated): gnomAD exomes 0.00128; gnomAD 0.00029 and 0.00050; TOPMed 0.00032; ESP Exome Variant Server 0.00058; 1000 Genomes Project 30x 0.00078; 1000 Genomes Project 0.00100; ExAC 0.00114.
gnomAD v4.1: 1,293 of 1,612,716 alleles (0.08%); highest among the groups gnomAD compares: South Asian, 0.73%; 10 homozygotes.

Submissions (5):

Labcorp Genetics (formerly Invitae), Labcorp
Classification: Benign for Congenital myasthenic syndrome 9; Fetal akinesia deformation sequence 1. Last evaluated: 2026-01-09. Review status: criteria provided, single submitter. Criteria: Invitae Variant Classification Sherloc (09022015). Collection method: clinical testing. Allele origin: germline.

Ambry Genetics
Classification: Likely benign for Inborn genetic diseases. Last evaluated: 2024-12-25. Review status: criteria provided, single submitter. Criteria: Ambry Variant Classification Scheme 2023. Collection method: clinical testing. Allele origin: germline.

GeneDx
Classification: Likely benign. Last evaluated: 2018-10-19. Review status: criteria provided, single submitter. Criteria: GeneDx Variant Classification Process June 2021. Collection method: clinical testing. Allele origin: germline. Affected: yes.

Illumina Laboratory Services, Illumina
Classification: Likely benign for Congenital myasthenic syndrome 9. Last evaluated: 2018-01-12. Review status: criteria provided, single submitter. Criteria: ICSL Variant Classification Criteria 13 December 2019. Collection method: clinical testing. Allele origin: germline.
Comment: This variant was observed in the ICSL laboratory as part of a predisposition screen in an ostensibly healthy population. It had not been previously curated by ICSL or reported in the Human Gene Mutation Database (HGMD: prior to June 1st, 2018), and was therefore a candidate for classification through an automated scoring system. Utilizing variant allele frequency, disease prevalence and penetrance estimates, and inheritance mode, an automated score was calculated to assess if this variant is too frequent to cause the disease. Based on the score and internal cut-off values, a variant classified as likely benign is not then subjected to further curation. The score for this variant resulted in a classification of likely benign for this disease.

PreventionGenetics, part of Exact Sciences
Classification: Likely benign for MUSK-related condition. Last evaluated: 2019-05-22. Review status: no assertion criteria provided. Collection method: clinical testing. Allele origin: germline. Not counted in ClinVar's aggregate classification.
Comment: This variant is classified as likely benign based on ACMG/AMP sequence variant interpretation guidelines (Richards et al. 2015 PMID: 25741868, with internal and published modifications).

NM_005592.4(MUSK):c.500T>C (p.Ile167Thr)

Gene: MUSK (muscle associated receptor tyrosine kinase; plus strand). Cytogenetic location: 9q31.3.
Variant type: single nucleotide variant.
Coding change: c.500T>C on transcript NM_005592.4 (MANE Select); coding-DNA position 500, T replaced by C.
Protein change: p.Ile167Thr; replaces isoleucine 167 with threonine.
Molecular consequence: missense variant.
Genome position (GRCh38, 1-based): chr9:110,697,338, T>C. VCF-style: chr9-110697338-T-C. GRCh37 (hg19) VCF-style: chr9-113459618-T-C.
Other names: c.500T>C, p.Ile167Thr (NM_001166280.2, NM_001166281.2); short protein forms I167T.
Identifiers: ClinVar variation 364602 (VCV000364602.20), dbSNP rs202045225, ClinGen allele CA5184039.